The following is an entry in ClinVar:

NM_001258392.3(CLPB):c.350C>T (p.Ala117Val)

Gene: CLPB (ClpB family mitochondrial disaggregase; minus strand). Cytogenetic location: 11q13.4.
Variant type: single nucleotide variant.
Coding change: c.350C>T on transcript NM_001258392.3 (MANE Select); coding-DNA position 350, C replaced by T.
Protein change: p.Ala117Val; replaces alanine 117 with valine.
Molecular consequence: missense variant. On other transcripts: synonymous variant (1).
Genome position (GRCh38, 1-based): chr11:72,434,125, G>A on the plus strand (C>T on the coding strand, the complement: CLPB is on the minus strand). VCF-style: chr11-72434125-G-A. GRCh37 (hg19) VCF-style: chr11-72145169-G-A.
Other names: c.350C>T, p.Ala117Val (NM_001258393.3, NM_030813.6); c.108C>T, p.Arg36= (NM_001258394.3); short protein forms A117V.
Identifiers: ClinVar variation 1400489 (VCV001400489.8), dbSNP rs563749368, ClinGen allele CA381962888.
Genomic context (GRCh38, chr11:72,434,125, plus strand): 5'-TAATCACCCTTGTTGGACGGACTCTTGCTGTAGCAATGAACCACCAGCGCTGCGGCCAGG[G>A]CGCACATGCCCAGTCCGGCCCTGCTGGGGACCCCGTTCCAGCTGTCCTGTCCTGGGAGTG-3'
Protein context (NP_001245321.1, residues 107-127): VPSRAGLGMC[Ala117Val]LAAALVVHCY

ClinVar aggregate classification (germline): Uncertain significance (1 of 4 stars; one submission).

Conditions:
3-methylglutaconic aciduria, type VIIB (MGCA7B). Also called: CLPB Deficiency; 3-methylglutaconic aciduria with cataracts, neurologic involvement and neutropenia; 3-methylglutaconic aciduria, type VII, with cataracts, neurologic involvement and neutropenia. Identifiers: Orphanet 445038, MedGen C5676893, MONDO:0014561, OMIM 616271.

Submission:

Labcorp Genetics (formerly Invitae), Labcorp
Classification: Uncertain significance for 3-methylglutaconic aciduria, type VIIB. Last evaluated: 2025-06-04. Review status: criteria provided, single submitter. Criteria: Invitae Variant Classification Sherloc (09022015). Collection method: clinical testing. Allele origin: germline.
Comment: This sequence change replaces alanine, which is neutral and non-polar, with valine, which is neutral and non-polar, at codon 117 of the CLPB protein (p.Ala117Val). This variant is not present in population databases (gnomAD no frequency). This variant has not been reported in the literature in individuals affected with CLPB-related conditions. ClinVar contains an entry for this variant (Variation ID: 1400489). An algorithm developed to predict the effect of missense changes on protein structure and function outputs the following: PolyPhen-2: "Benign". The valine amino acid residue is found in multiple mammalian species, which suggests that this missense change does not adversely affect protein function. In summary, the available evidence is currently insufficient to determine the role of this variant in disease. Therefore, it has been classified as a Variant of Uncertain Significance.